The following is an entry in ClinVar:

NM_024656.4(COLGALT1):c.1602-17CCT[2]

Gene: COLGALT1 (collagen beta(1-O)galactosyltransferase 1; plus strand). Cytogenetic location: 19p13.11.
Variant type: Microsatellite.
Coding change: c.1602-17CCT[2] on transcript NM_024656.4 (MANE Select); two copies in a row of the 3-base unit CCT starting at c.1602-17.
Molecular consequence: intron variant.
Genome position: GRCh38 VCF-style: chr19-17581159-CCCT-C. GRCh37 (hg19) VCF-style: chr19-17691968-CCCT-C.
Identifiers: ClinVar variation 2074625 (VCV002074625.4), dbSNP rs752557537, ClinGen allele CA9297376.

ClinVar aggregate classification (germline): Uncertain significance (1 of 4 stars; one submission).

Submission:

Labcorp Genetics (formerly Invitae), Labcorp
Classification: Uncertain significance. Last evaluated: 2023-07-17. Review status: criteria provided, single submitter. Criteria: Invitae Variant Classification Sherloc (09022015). Collection method: clinical testing. Allele origin: germline.
Comment: This sequence change falls in intron 11 of the COLGALT1 gene. It does not directly change the encoded amino acid sequence of the COLGALT1 protein. Algorithms developed to predict the effect of sequence changes on RNA splicing suggest that this variant may create or strengthen a splice site. In summary, the available evidence is currently insufficient to determine the role of this variant in disease. Therefore, it has been classified as a Variant of Uncertain Significance. This variant has not been reported in the literature in individuals affected with COLGALT1-related conditions. The frequency data for this variant in the population databases is considered unreliable, as metrics indicate poor data quality at this position in the gnomAD database.